The following is an entry in ClinVar:

ClinVar aggregate classification (germline): Conflicting classifications of pathogenicity. Review status: criteria provided, conflicting classifications (1 of 4 stars). 3 submissions from 3 submitters: Likely pathogenic (2); Uncertain significance (1). Last evaluated 2025-08-05.

Conditions:
Cerebral arteriopathy, autosomal dominant, with subcortical infarcts and leukoencephalopathy, type 1 (CADASIL1). Also called: Cerebral arteriopathy with subcortical infarcts and leukoencephalopathy 1; DEMENTIA, HEREDITARY MULTIINFARCT TYPE; CADASIL 1; CASIL. Identifiers: Orphanet 136, MedGen C4551768, MONDO:0000914, OMIM 125310.

Allele frequency attached by ClinVar (database versions not stated): gnomAD exomes below 0.00001; TOPMed below 0.00001; gnomAD 0.00001.
gnomAD v4.1: 7 of 1,613,516 alleles (0.00043%); highest among the groups gnomAD compares: East Asian, 0.0022%; no homozygotes.

Submissions (3):

Labcorp Genetics (formerly Invitae), Labcorp
Classification: Likely pathogenic. Last evaluated: 2025-08-05. Review status: criteria provided, single submitter. Criteria: Invitae Variant Classification Sherloc (09022015). Collection method: clinical testing. Allele origin: germline.
Comment: This sequence change replaces arginine, which is basic and polar, with cysteine, which is neutral and slightly polar, at codon 680 of the NOTCH3 protein (p.Arg680Cys). This variant is present in population databases (no rsID available, gnomAD 0.003%). This missense change has been observed in individuals with clinical features of cerebral arteriopathy with subcortical infarcts and leukoencephalopathy (PMID: 22206696, 28710804, 37479695). ClinVar contains an entry for this variant (Variation ID: 1676246). Invitae Evidence Modeling of protein sequence and biophysical properties (such as structural, functional, and spatial information, amino acid conservation, physicochemical variation, residue mobility, and thermodynamic stability) indicates that this missense variant is expected to disrupt NOTCH3 protein function with a positive predictive value of 95%. In summary, the currently available evidence indicates that the variant is pathogenic, but additional data are needed to prove that conclusively. Therefore, this variant has been classified as Likely Pathogenic.

Mayo Clinic Laboratories, Mayo Clinic
Classification: Uncertain significance. Last evaluated: 2023-01-10. Review status: criteria provided, single submitter. Criteria: ACMG Guidelines, 2015. Collection method: clinical testing. Allele origin: germline. Observed: 1 variant allele.
Comment: PP2, PP4, PM1

Molecular Genetics, Royal Melbourne Hospital
Classification: Likely pathogenic for Cerebral arteriopathy, autosomal dominant, with subcortical infarcts and leukoencephalopathy, type 1. Last evaluated: 2021-10-01. Review status: criteria provided, single submitter. Criteria: ACMG Guidelines, 2015. Collection method: clinical testing. Allele origin: germline. Affected: yes.
Comment: This sequence change in NOTCH3 is predicted to replace arginine with cysteine at codon 680 (p.(Arg680Cys)). The arginine residue is moderately conserved (100 vertebrates, UCSC), and introduces an odd number of cysteine residues in EGF-like repeat domain 17 (expected to alter the disulfide bonds in this domain). There is a large physicochemical difference between arginine and cysteine. This variant is present in a single South Asian individual from gnomAD v2.1 (1/30,616 alleles), and a single Latino/American individual (1/15,260 alleles) and a single European (non-Finnish) individual (1/39,346 alleles) from gnomAD v3.1. The prevalence of the variant in individuals with cerebral arteriopathy with subcortical infarcts and leukoencephalopathy is significantly increased compared with the prevalence in controls (odds ratio 28 95% CI: 1.8 to 456, PMID: 22206696, 28710804; Latino non-neuro cohort gnomAD v3.1). Multiple lines of computational evidence predict a deleterious effect for the missense substitution (5/6 algorithms). Based on the classification scheme RMH Modified ACMG Guidelines v1.4.0, this variant is classified as LIKELY PATHOGENIC. Following criteria are met: PS4, PM1, PP3.

Literature cited by the submitters: PubMed 22206696 (cited by 3 submitters); PubMed 28710804 (cited by 3 submitters); PubMed 37479695 (cited by Labcorp Genetics (formerly Invitae), Labcorp); PubMed 33712516 (cited by Mayo Clinic Laboratories, Mayo Clinic).

NM_000435.3(NOTCH3):c.2038C>T (p.Arg680Cys)

Gene: NOTCH3 (notch receptor 3; minus strand). Cytogenetic location: 19p13.12.
Variant type: single nucleotide variant.
Coding change: c.2038C>T on transcript NM_000435.3 (MANE Select); coding-DNA position 2038, C replaced by T.
Protein change: p.Arg680Cys; replaces arginine 680 with cysteine.
Molecular consequence: missense variant.
Genome position (GRCh38, 1-based): chr19:15,185,593, G>A on the plus strand (C>T on the coding strand, the complement: NOTCH3 is on the minus strand). VCF-style: chr19-15185593-G-A. GRCh37 (hg19) VCF-style: chr19-15296404-G-A.
Other names: p.Arg680Cys; short protein forms R680C.
Identifiers: ClinVar variation 1676246 (VCV001676246.6), dbSNP rs1250956327, ClinGen allele CA404523020.
Genomic context (GRCh38, chr19:15,185,593, plus strand): 5'-CACAGGGATGGCTCGGGGGGAGGCAGAGTGGGGGCAAGGAGCCAGGCGGGCAGAGGCAGC[G>A]GAAGCCATTTTCCCCATCCACACAGGAACCTCCCTCGCCGCATGGGCTGGAAGCACACTC-3'
Protein context (NP_000426.2, residues 670-690): GSCVDGENGF[Arg680Cys]CLCPPGSLPP